The following is an entry in ClinVar:

NM_002471.4(MYH6):c.3979-8C>T

Gene: MYH6 (myosin heavy chain 6; minus strand). Cytogenetic location: 14q11.2.
Variant type: single nucleotide variant.
Coding change: c.3979-8C>T on transcript NM_002471.4 (MANE Select); 8 bases into the intron before coding-DNA position 3979, C replaced by T.
Molecular consequence: intron variant.
Genome position (GRCh38, 1-based): chr14:23,389,063, G>A on the plus strand (C>T on the coding strand, the complement: MYH6 is on the minus strand). VCF-style: chr14-23389063-G-A. GRCh37 (hg19) VCF-style: chr14-23858272-G-A.
Identifiers: ClinVar variation 196173 (VCV000196173.27), dbSNP rs555976716, ClinGen allele CA202178.

ClinVar aggregate classification (germline): Benign/Likely benign. Review status: criteria provided, multiple submitters, no conflicts (2 of 4 stars). 9 submissions from 9 submitters: Benign (5); Likely benign (1). 3 of the submissions do not count toward it. Last evaluated 2026-02-02.

Conditions:
Dilated cardiomyopathy 1EE (CMD1EE). Identifiers: Orphanet 154, MedGen C2750466, MONDO:0013198, OMIM 613252.
Hypertrophic cardiomyopathy 14. Identifiers: MedGen C2750467, MONDO:0013197, OMIM 613251.
Sick sinus syndrome 3, susceptibility to (SSS3). Identifiers: Orphanet 166282, MedGen C3279791, MONDO:0013568, OMIM 614090.
Hypertrophic cardiomyopathy 1 (CMH1). Also called: MYH7-Related Familial Hypertrophic Cardiomyopathy; Familial hypertrophic cardiomyopathy 1. Identifiers: MedGen C3495498, MONDO:0008647, OMIM 192600.
Atrial septal defect 3 (ASD3). Identifiers: Orphanet 1478, MedGen C3279790, MONDO:0013567, OMIM 614089.
Cardiomyopathy (CMYO). Also called: Cardiomyopathies. Identifiers: Orphanet 167848, MedGen C0878544, MONDO:0004994, HP:0001638. Inheritance: Various modes of inheritance.

Allele frequency attached by ClinVar (database versions not stated): TOPMed 0.00757; 1000 Genomes Project 0.01198.

Submissions (9):

Labcorp Genetics (formerly Invitae), Labcorp
Classification: Benign for Hypertrophic cardiomyopathy 14. Last evaluated: 2026-02-02. Review status: criteria provided, single submitter. Criteria: Invitae Variant Classification Sherloc (09022015). Collection method: clinical testing. Allele origin: germline.

ARUP Laboratories, Molecular Genetics and Genomics, ARUP Laboratories
Classification: Benign. Last evaluated: 2025-03-21. Review status: criteria provided, single submitter. Criteria: ARUP Molecular Germline Variant Investigation Process 2024. Collection method: clinical testing. Allele origin: germline.

Fulgent Genetics
Classification: Likely benign for Hypertrophic cardiomyopathy 1; Hypertrophic cardiomyopathy 14; Dilated cardiomyopathy 1EE; Atrial septal defect 3; Sick sinus syndrome 3, susceptibility to. Last evaluated: 2021-09-07. Review status: criteria provided, single submitter. Criteria: ACMG Guidelines, 2015. Collection method: clinical testing. Allele origin: unknown.

GeneDx
Classification: Benign. Last evaluated: 2016-10-25. Review status: criteria provided, single submitter. Criteria: GeneDx Variant Classification (06012015). Collection method: clinical testing. Allele origin: germline. Affected: yes.
Comment: This variant is considered likely benign or benign based on one or more of the following criteria: it is a conservative change, it occurs at a poorly conserved position in the protein, it is predicted to be benign by multiple in silico algorithms, and/or has population frequency not consistent with disease.

CHEO Genetics Diagnostic Laboratory, Children's Hospital of Eastern Ontario
Classification: Benign for Cardiomyopathy. Last evaluated: 2016-04-05. Review status: criteria provided, single submitter. Criteria: ACMG Guidelines, 2015. Collection method: clinical testing. Allele origin: germline. Study: Canadian Open Genetics Repository.

Eurofins Ntd Llc (ga)
Classification: Benign. Last evaluated: 2015-05-19. Review status: criteria provided, single submitter. Criteria: EGL Classification Definitions 2015. Collection method: clinical testing. Allele origin: germline. Observed: 1 variant allele, 1 heterozygote.

Clinical Genetics DNA and cytogenetics Diagnostics Lab, Erasmus MC, Erasmus Medical Center
Classification: Benign. Review status: no assertion criteria provided. Collection method: clinical testing. Allele origin: germline. Affected: yes. Study: VKGL Data-share Consensus. Not counted in ClinVar's aggregate classification.

Clinical Genetics, Academic Medical Center
Classification: Benign. Review status: no assertion criteria provided. Collection method: clinical testing. Allele origin: germline. Affected: yes. Study: VKGL Data-share Consensus. Not counted in ClinVar's aggregate classification.

Laboratory of Diagnostic Genome Analysis, Leiden University Medical Center (LUMC)
Classification: Likely benign. Review status: no assertion criteria provided. Collection method: clinical testing. Allele origin: germline. Affected: yes. Study: VKGL Data-share Consensus. Not counted in ClinVar's aggregate classification.